The following is an entry in ClinVar:

NM_002202.3(ISL1):c.934-6A>C

Gene: ISL1 (ISL LIM homeobox 1; plus strand). Cytogenetic location: 5q11.1.
Variant type: single nucleotide variant.
Coding change: c.934-6A>C on transcript NM_002202.3 (MANE Select); 6 bases into the intron before coding-DNA position 934, A replaced by C.
Molecular consequence: intron variant.
Genome position (GRCh38, 1-based): chr5:51,393,488, A>C. VCF-style: chr5-51393488-A-C. GRCh37 (hg19) VCF-style: chr5-50689322-A-C.
Identifiers: ClinVar variation 5001465 (VCV005001465.1).

ClinVar aggregate classification (germline): Likely benign (1 of 4 stars; one submission).

Conditions:
ISL1-related disorder. Also called: ISL1-related condition.

gnomAD v4.1: 4 of 1,539,260 alleles (0.00026%); highest among the groups gnomAD compares: African/African-American, 0.0014%; no homozygotes.

Submission:

PreventionGenetics, part of Exact Sciences
Classification: Likely benign for ISL1-related condition. Last evaluated: 2024-11-27. Review status: criteria provided, single submitter. Criteria: ACMG Guidelines, 2015. Collection method: clinical testing. Allele origin: germline.
Comment: This variant is classified as likely benign based on ACMG/AMP sequence variant interpretation guidelines (Richards et al. 2015 PMID: 25741868, with internal and published modifications).